The following is an entry in ClinVar:

ClinVar aggregate classification (germline): Uncertain significance (1 of 4 stars; one submission).

Conditions:
Cardiovascular phenotype. Identifiers: MedGen CN230736.

Allele frequency attached by ClinVar (database versions not stated): gnomAD exomes below 0.00001.
gnomAD v4.1: 2 of 1,572,746 alleles (0.00013%); highest among the groups gnomAD compares: African/African-American, 0.0013%; no homozygotes.

Submission:

Ambry Genetics
Classification: Uncertain significance for Cardiovascular phenotype. Last evaluated: 2026-08-20. Review status: criteria provided, single submitter. Criteria: Ambry Variant Classification Scheme 2023. Collection method: clinical testing. Allele origin: germline.
Comment: The c.506-3C>T intronic variant results from a C to T substitution 3 nucleotides upstream from coding exon 5 in the GPD1L gene. This nucleotide position is poorly conserved in available vertebrate species. In silico splice site analysis predicts that this alteration will not have any significant effect on splicing. Based on the available evidence, the clinical significance of this variant remains unclear.

NM_015141.4(GPD1L):c.506-3C>T

Gene: GPD1L (glycerol-3-phosphate dehydrogenase 1 like; plus strand). Cytogenetic location: 3p22.3.
Variant type: single nucleotide variant.
Coding change: c.506-3C>T on transcript NM_015141.4 (MANE Select); 3 bases into the intron before coding-DNA position 506, C replaced by T.
Molecular consequence: intron variant.
Genome position (GRCh38, 1-based): chr3:32,146,619, C>T. VCF-style: chr3-32146619-C-T. GRCh37 (hg19) VCF-style: chr3-32188111-C-T.
Identifiers: ClinVar variation 1745117 (VCV001745117.3), dbSNP rs2471405899, ClinGen allele CA2559135768.
Genomic context (GRCh38, chr3:32,146,619, plus strand): 5'-TTAGGTGTGAAAATTAAGATTAGAGGCTGTTATTAATATCCTTGTTGTCTAACCTTTCAA[C>T]AGGCAGCAAAGTAATGGAGAACGGCCTTCTCTTCAAAGAACTTCTGCAGACTCCAAATTT-3'